The following is an entry in ClinVar:

NM_014956.5(CEP164):c.282C>T (p.Ser94=)

Gene: CEP164 (centrosomal protein 164; plus strand). Cytogenetic location: 11q23.3.
Variant type: single nucleotide variant.
Coding change: c.282C>T on transcript NM_014956.5 (MANE Select); coding-DNA position 282, C replaced by T.
Protein change: p.Ser94=; no amino-acid change (serine 94 retained).
Molecular consequence: synonymous variant.
Genome position (GRCh38, 1-based): chr11:117,351,877, C>T. VCF-style: chr11-117351877-C-T. GRCh37 (hg19) VCF-style: chr11-117222593-C-T.
Other names: c.282C>T, p.Ser94= (NM_001271933.2); c.282C>T (NM_014956.4).
Identifiers: ClinVar variation 2993910 (VCV002993910.4), dbSNP rs1030661803, ClinGen allele CA476894945.

ClinVar aggregate classification (germline): Likely benign. Review status: criteria provided, multiple submitters, no conflicts (2 of 4 stars). 2 submissions from 2 submitters: Likely benign (2). Last evaluated 2026-05-28.

Conditions:
CEP164-related disorder. Also called: CEP164-related condition.
Nephronophthisis 15 (NPHP15). Identifiers: Orphanet 3156, MedGen C3541853, MONDO:0013917, OMIM 614845.

Submissions (2):

PreventionGenetics, part of Exact Sciences
Classification: Likely benign for CEP164-related condition. Last evaluated: 2026-05-28. Review status: criteria provided, single submitter. Criteria: ACMG Guidelines, 2015. Collection method: clinical testing. Allele origin: germline.
Comment: This variant is classified as likely benign based on ACMG/AMP sequence variant interpretation guidelines (Richards et al. 2015 PMID: 25741868, with internal and published modifications).

Labcorp Genetics (formerly Invitae), Labcorp
Classification: Likely benign for Nephronophthisis 15. Last evaluated: 2024-05-19. Review status: criteria provided, single submitter. Criteria: Invitae Variant Classification Sherloc (09022015). Collection method: clinical testing. Allele origin: germline.